The following is an entry in ClinVar:

ClinVar aggregate classification (germline): Benign/Likely benign. Review status: criteria provided, multiple submitters, no conflicts (2 of 4 stars). 3 submissions from 3 submitters: Benign (1); Likely benign (2). Last evaluated 2026-08-02.

Conditions:
Gastrointestinal stromal tumor. Also called: Gastrointestinal stromal tumor, somatic; Gastrointestinal stroma tumor. Identifiers: Orphanet 44890, MedGen C0238198, MeSH D046152, MONDO:0011719, OMIM 606764, HP:0100723.
Hereditary cancer-predisposing syndrome. Also called: Tumor predisposition; Hereditary neoplastic syndrome; Hereditary Cancer Syndrome; Neoplastic Syndromes, Hereditary. Identifiers: Orphanet 140162, MedGen C0027672, MeSH D009386, MONDO:0015356.
Polyps, multiple and recurrent inflammatory fibroid, gastrointestinal. Identifiers: MedGen C5193005, MONDO:0008285, OMIM 175510.

gnomAD v4.1: 2 of 1,613,990 alleles (0.00012%); highest among the groups gnomAD compares: Non-Finnish European, 0.00017%; no homozygotes.

Submissions (3):

Ambry Genetics
Classification: Likely benign for Hereditary cancer-predisposing syndrome. Last evaluated: 2026-08-02. Review status: criteria provided, single submitter. Criteria: Ambry Variant Classification Scheme 2023. Collection method: clinical testing. Allele origin: germline.

Myriad Genetics, Inc.
Classification: Benign for Polyps, multiple and recurrent inflammatory fibroid, gastrointestinal. Last evaluated: 2026-06-16. Review status: criteria provided, single submitter. Criteria: Myriad Autosomal Dominant, Autosomal Recessive and X-Linked Classification Criteria (2023). Collection method: clinical testing. Allele origin: unknown.
Comment: This variant is considered benign. This variant is a silent/synonymous amino acid change and it is not expected to impact splicing.

Labcorp Genetics (formerly Invitae), Labcorp
Classification: Likely benign for Gastrointestinal stromal tumor. Last evaluated: 2024-07-03. Review status: criteria provided, single submitter. Criteria: Invitae Variant Classification Sherloc (09022015). Collection method: clinical testing. Allele origin: germline.

NM_006206.6(PDGFRA):c.1251T>C (p.Ile417=)

Gene: PDGFRA (platelet derived growth factor receptor alpha; plus strand). Cytogenetic location: 4q12.
Variant type: single nucleotide variant.
Coding change: c.1251T>C on transcript NM_006206.6 (MANE Select); coding-DNA position 1251, T replaced by C.
Protein change: p.Ile417=; no amino-acid change (isoleucine 417 retained).
Molecular consequence: synonymous variant.
Genome position (GRCh38, 1-based): chr4:54,272,407, T>C. VCF-style: chr4-54272407-T-C. GRCh37 (hg19) VCF-style: chr4-55138574-T-C.
Other names: c.1251T>C, p.Ile417= (NM_001347827.2, NM_001347829.2); c.1326T>C, p.Ile442= (NM_001347828.2); c.1290T>C, p.Ile430= (NM_001347830.2).
Identifiers: ClinVar variation 3692327 (VCV003692327.4).